The following is an entry in ClinVar:

NM_001009999.3(KDM1A):c.1550A>T (p.Glu517Val)

Gene: KDM1A (lysine demethylase 1A; plus strand). Cytogenetic location: 1p36.12.
Variant type: single nucleotide variant.
Coding change: c.1550A>T on transcript NM_001009999.3 (MANE Select); coding-DNA position 1550, A replaced by T.
Protein change: p.Glu517Val; replaces glutamic acid 517 with valine.
Molecular consequence: missense variant.
Genome position (GRCh38, 1-based): chr1:23,072,125, A>T. VCF-style: chr1-23072125-A-T. GRCh37 (hg19) VCF-style: chr1-23398618-A-T.
Other names: c.1478A>T, p.Glu493Val (NM_001363654.2, NM_001410763.1, NM_015013.4); c.1538A>T, p.Glu513Val (NM_001410762.1); short protein forms E493V, E513V, E517V.
Identifiers: ClinVar variation 4858711 (VCV004858711.1).

ClinVar aggregate classification (germline): Uncertain significance (1 of 4 stars; one submission).

Conditions:
Inborn genetic diseases. Identifiers: MedGen C0950123, MeSH D030342.

Submission:

Ambry Genetics
Classification: Uncertain significance for Inborn genetic diseases. Last evaluated: 2026-04-12. Review status: criteria provided, single submitter. Criteria: Ambry Variant Classification Scheme 2023. Collection method: clinical testing. Allele origin: germline.
Comment: The p.E517V variant (also known as c.1550A>T), located in coding exon 14 of the KDM1A gene, results from an A to T substitution at nucleotide position 1550. The glutamic acid at codon 517 is replaced by valine, an amino acid with dissimilar properties. This amino acid position is conserved. In addition, the in silico prediction for this alteration is inconclusive. Based on the available evidence, the clinical significance of this variant remains unclear.